The following is an entry in ClinVar:

NM_017433.5(MYO3A):c.580C>A (p.Pro194Thr)

Gene: MYO3A (myosin IIIA; plus strand). Cytogenetic location: 10p12.1.
Variant type: single nucleotide variant.
Coding change: c.580C>A on transcript NM_017433.5 (MANE Select); coding-DNA position 580, C replaced by A.
Protein change: p.Pro194Thr; replaces proline 194 with threonine.
Molecular consequence: missense variant.
Genome position (GRCh38, 1-based): chr10:26,016,891, C>A. VCF-style: chr10-26016891-C-A. GRCh37 (hg19) VCF-style: chr10-26305820-C-A.
Other names: c.580C>A, p.Pro194Thr (NM_001368265.1); short protein forms P194T.
Identifiers: ClinVar variation 4854124 (VCV004854124.1).

ClinVar aggregate classification (germline): Uncertain significance (1 of 4 stars; one submission).

Conditions:
Autosomal recessive nonsyndromic hearing loss 30. Identifiers: Orphanet 90636, MedGen C1846784, MONDO:0011774, OMIM 607101.

Submission:

3billion
Classification: Uncertain significance for Autosomal recessive nonsyndromic hearing loss 30. Last evaluated: 2026-01-06. Review status: criteria provided, single submitter. Criteria: ACMG Guidelines, 2015. Collection method: clinical testing. Allele origin: germline. Affected: yes.
Comment: The variant is observed at an extremely low frequency in the gnomAD v4.1.0 dataset (total allele frequency: <0.001%). Predicted Consequence/Location: Missense variant. The majority of the known disease-causing variants of this gene are variants expected to result in premature termination of the protein. In silico tool predictions suggest damaging effect of the variant on gene or gene product [REVEL: 0.86 (>=0.6, sensitivity 0.68 and specificity 0.92)]. The same nucleotide change resulting in the same amino acid change has been previously reported to be associated with MYO3A-related disorder (PMID: 23990876). Therefore, this variant is classified as VUS according to the recommendation of ACMG/AMP guideline.

Literature cited by the submitters: PubMed 23990876.